The following is an entry in ClinVar:

NM_024656.4(COLGALT1):c.647C>A (p.Ala216Asp)

Gene: COLGALT1 (collagen beta(1-O)galactosyltransferase 1; plus strand). Cytogenetic location: 19p13.11.
Variant type: single nucleotide variant.
Coding change: c.647C>A on transcript NM_024656.4 (MANE Select); coding-DNA position 647, C replaced by A.
Protein change: p.Ala216Asp; replaces alanine 216 with aspartic acid.
Molecular consequence: missense variant.
Genome position (GRCh38, 1-based): chr19:17,568,531, C>A. VCF-style: chr19-17568531-C-A. GRCh37 (hg19) VCF-style: chr19-17679340-C-A.
Other names: short protein forms A216D.
Identifiers: ClinVar variation 5002619 (VCV005002619.1).

ClinVar aggregate classification (germline): Uncertain significance (1 of 4 stars; one submission).

Conditions:
COLGALT1-related disorder. Also called: COLGALT1-related condition.

Submission:

PreventionGenetics, part of Exact Sciences
Classification: Uncertain significance for COLGALT1-related condition. Last evaluated: 2025-07-01. Review status: criteria provided, single submitter. Criteria: ACMG Guidelines, 2015. Collection method: clinical testing. Allele origin: germline.
Comment: The COLGALT1 c.647C>A variant is predicted to result in the amino acid substitution p.Ala216Asp. To our knowledge, this variant has not been reported in the literature or in a large population database (gnomAD), indicating this variant is rare. At this time, the clinical significance of this variant is uncertain due to the absence of conclusive functional and genetic evidence.